The following is an entry in ClinVar:

ClinVar aggregate classification (germline): Uncertain significance (1 of 4 stars; one submission).

Submission:

CeGaT Center for Human Genetics Tuebingen
Classification: Uncertain significance. Last evaluated: 2024-03-01. Review status: criteria provided, single submitter. Criteria: CeGaT Center For Human Genetics Tuebingen Variant Classification Criteria Version 2. Collection method: clinical testing. Allele origin: germline. Affected: yes. Observed: 1 variant allele.
Comment: NFKB1: PM2, BP4

NM_003998.4(NFKB1):c.2342C>T (p.Thr781Ile)

Gene: NFKB1 (nuclear factor kappa B subunit 1; plus strand). Cytogenetic location: 4q24.
Variant type: single nucleotide variant.
Coding change: c.2342C>T on transcript NM_003998.4 (MANE Select); coding-DNA position 2342, C replaced by T.
Protein change: p.Thr781Ile; replaces threonine 781 with isoleucine.
Molecular consequence: missense variant.
Genome position (GRCh38, 1-based): chr4:102,610,689, C>T. VCF-style: chr4-102610689-C-T. GRCh37 (hg19) VCF-style: chr4-103531846-C-T.
Other names: c.2339C>T, p.Thr780Ile (NM_001165412.2, NM_001319226.2, NM_001382627.1); c.2342C>T, p.Thr781Ile (NM_001382625.1, NM_001382626.1); c.2300C>T, p.Thr767Ile (NM_001382628.1); short protein forms T767I, T780I, T781I.
Identifiers: ClinVar variation 3067787 (VCV003067787.21), dbSNP rs2476563509, ClinGen allele CA357754072.